The following is an entry in ClinVar:

ClinVar aggregate classification (germline): Uncertain significance (1 of 4 stars; one submission).

Conditions:
MAGEL2-related disorder. Also called: MAGEL2-related condition.

Submission:

PreventionGenetics, part of Exact Sciences
Classification: Uncertain significance for MAGEL2-related condition. Last evaluated: 2026-04-03. Review status: criteria provided, single submitter. Criteria: ACMG Guidelines, 2015. Collection method: clinical testing. Allele origin: germline.
Comment: The MAGEL2 c.2721C>G variant is predicted to result in the amino acid substitution p.Asp907Glu. To our knowledge, this variant has not been reported in the literature or in a large population database (gnomAD), indicating this variant is rare. At this time, the clinical significance of this variant is uncertain due to the absence of conclusive functional and genetic evidence.

NM_019066.5(MAGEL2):c.2721C>G (p.Asp907Glu)

Gene: MAGEL2 (MAGE family member L2; minus strand). Cytogenetic location: 15q11.2.
Variant type: single nucleotide variant.
Coding change: c.2721C>G on transcript NM_019066.5 (MANE Select); coding-DNA position 2721, C replaced by G.
Protein change: p.Asp907Glu; replaces aspartic acid 907 with glutamic acid.
Molecular consequence: missense variant.
Genome position (GRCh38, 1-based): chr15:23,645,022, G>C on the plus strand (C>G on the coding strand, the complement: MAGEL2 is on the minus strand). VCF-style: chr15-23645022-G-C. GRCh37 (hg19) VCF-style: chr15-23890169-G-C.
Other names: short protein forms D907E.
Identifiers: ClinVar variation 4982381 (VCV004982381.1).
Genomic context (GRCh38, chr15:23,645,022, plus strand): 5'-AGGGCTTTGGACCTCCCAGTCACTCAGATTTAGATTCTCCCAGGGCCTTGGGCCCTGCCA[G>C]TCATGAAAGGCTAGCGTGTGGCCACGGCTGTCCTCTTGGGCTTCCAGATGCTTCTTCTTC-3'
Protein context (NP_061939.3, residues 897-917): DSRGHTLAFH[Asp907Glu]WQGPRPWENL